The following is an entry in ClinVar:

NM_001145678.3(KIAA0825):c.1038G>A (p.Ser346=)

Gene: KIAA0825 (KIAA0825; minus strand). Cytogenetic location: 5q15.
Variant type: single nucleotide variant.
Coding change: c.1038G>A on transcript NM_001145678.3 (MANE Select); coding-DNA position 1038, G replaced by A.
Protein change: p.Ser346=; no amino-acid change (serine 346 retained).
Molecular consequence: synonymous variant. On other transcripts: non-coding transcript variant (1).
Genome position (GRCh38, 1-based): chr5:94,484,863, C>T on the plus strand (G>A on the coding strand, the complement: KIAA0825 is on the minus strand). VCF-style: chr5-94484863-C-T. GRCh37 (hg19) VCF-style: chr5-93820568-C-T.
Other names: c.1038G>A, p.Ser346= (NM_001385712.1, NM_001385713.1, NM_001385714.1 and 1 more transcripts).
Identifiers: ClinVar variation 3057226 (VCV003057226.7), dbSNP rs77357740, ClinGen allele CA3344176.

ClinVar aggregate classification (germline): Benign/Likely benign. Review status: criteria provided, multiple submitters, no conflicts (2 of 4 stars). 3 submissions from 3 submitters: Benign (1); Likely benign (1). 1 of the submissions does not count toward it. Last evaluated 2026-10-01.

Conditions:
KIAA0825-related disorder. Also called: KIAA0825-related condition.

Allele frequency attached by ClinVar (database versions not stated): TOPMed 0.00664; ExAC 0.00674; 1000 Genomes Project 30x 0.00812; gnomAD exomes 0.00212; gnomAD 0.00560; ESP Exome Variant Server 0.00570.
gnomAD v4.1: 3,914 of 1,535,254 alleles (0.25%); highest among the groups gnomAD compares: Middle Eastern, 2.6%; 30 homozygotes.

Submissions (3):

CeGaT Center for Human Genetics Tuebingen
Classification: Benign. Last evaluated: 2026-10-01. Review status: criteria provided, single submitter. Criteria: CeGaT Center For Human Genetics Tuebingen Variant Classification Criteria Version 2. Collection method: clinical testing. Allele origin: germline. Affected: yes. Observed: 2 variant alleles.
Comment: KIAA0825: BP4, BP7, BS1, BS2

Blueprint Genetics
Classification: Likely benign. Last evaluated: 2024-11-26. Review status: criteria provided, single submitter. Criteria: ACMG Guidelines, 2015. Collection method: clinical testing. Allele origin: germline.

PreventionGenetics, part of Exact Sciences
Classification: Benign for KIAA0825-related condition. Last evaluated: 2020-02-27. Review status: no assertion criteria provided. Collection method: clinical testing. Allele origin: germline. Not counted in ClinVar's aggregate classification.
Comment: This variant is classified as benign based on ACMG/AMP sequence variant interpretation guidelines (Richards et al. 2015 PMID: 25741868, with internal and published modifications).